The following is an entry in ClinVar:

ClinVar aggregate classification (germline): Pathogenic. Review status: criteria provided, multiple submitters, no conflicts (2 of 4 stars). 3 submissions from 3 submitters: Pathogenic (3). Last evaluated 2026-02-25.

Conditions:
Bardet-Biedl syndrome 12 (BBS12). Identifiers: Orphanet 110, MedGen C1859570, MONDO:0014440, OMIM 615989.

Submissions (3):

Myriad Genetics, Inc.
Classification: Pathogenic for Bardet-Biedl syndrome 12. Last evaluated: 2026-02-25. Review status: criteria provided, single submitter. Criteria: Myriad Autosomal Dominant, Autosomal Recessive and X-Linked Classification Criteria (2023). Collection method: clinical testing. Allele origin: unknown.
Comment: NM_152618.2(BBS12):c.695_731del37(I232Kfs*3) is a frameshift variant classified as pathogenic in the context of Bardet-Biedl syndrome, BBS12-related. I232Kfs*3 has been observed in a case with relevant disease (PMID: 33369054). Relevant functional assessments of this variant are not available in the literature. I232Kfs*3 has not been observed in referenced population frequency databases. In summary, NM_152618.2(BBS12):c.695_731del37(I232Kfs*3) is a frameshift variant in a gene where loss of function is a known mechanism of disease, is predicted to disrupt protein function, and has been observed more frequently in cases with the relevant disease than in healthy populations. Please note: this variant was assessed in the context of healthy population screening.

Revvity Omics, Revvity
Classification: Pathogenic for Bardet-Biedl syndrome 12. Last evaluated: 2022-06-22. Review status: criteria provided, single submitter. Criteria: ACMG Guidelines, 2015. Collection method: clinical testing. Allele origin: germline.

Baylor Genetics
Classification: Pathogenic for Bardet-Biedl syndrome 12. Last evaluated: 2022-03-23. Review status: criteria provided, single submitter. Criteria: ACMG Guidelines, 2015. Collection method: clinical testing. Allele origin: unknown.

Literature cited by the submitters: PubMed 33369054 (cited by Myriad Genetics, Inc.).

NM_152618.3(BBS12):c.695_731del (p.Ile232fs)

Gene: BBS12 (Bardet-Biedl syndrome 12; plus strand). Cytogenetic location: 4q27.
Variant type: Deletion.
Coding change: c.695_731del on transcript NM_152618.3 (MANE Select); coding-DNA positions 695 to 731, 37 bases deleted.
Protein change: p.Ile232fs; shifts the reading frame from isoleucine 232.
Molecular consequence: frameshift variant.
Genome position (GRCh38, 1-based): chr4:122,742,587-122,742,623, 37 bases deleted; deleting any 37 consecutive bases within chr4:122,742,586-122,742,623 gives the same sequence; the c. name uses the placement nearest the transcript's 3' end. GRCh37 (hg19): chr4:123,663,742-123,663,778.
Other names: c.695_731del, p.Ile232fs (NM_001178007.2); short protein forms I232fs.
Identifiers: ClinVar variation 2435112 (VCV002435112.5), dbSNP rs2485073388, ClinGen allele CA2580071464.
Genomic context (GRCh38, chr4:122,742,585, plus strand): 5'-CACATCACGAACTCTGAAAAACAGCCTGCTTGCAGATACCTGCTGCAGACAGTCAATACT[AATCCACAGTAGGCATTTTAATAGGACAGATAATACTG>A]AAGGGGTAAGCAAACCAGATGGATTTCAAGAACATGTTACAGCTACTCACAAAACTTACA-3'